The following is an entry in ClinVar:

NM_018248.3(NEIL3):c.1639G>T (p.Ala547Ser)

Genes: NEIL3 (nei like DNA glycosylase 3; plus strand), NEIL3-AS1 (NEIL3 antisense RNA 1; minus strand). Cytogenetic location: 4q34.3.
Variant type: single nucleotide variant.
Coding change: c.1639G>T on transcript NM_018248.3 (MANE Select); coding-DNA position 1639, G replaced by T.
Protein change: p.Ala547Ser; replaces alanine 547 with serine.
Molecular consequence: missense variant.
Genome position (GRCh38, 1-based): chr4:177,362,292, G>T. VCF-style: chr4-177362292-G-T. GRCh37 (hg19) VCF-style: chr4-178283446-G-T.
Other names: short protein forms A547S.
Identifiers: ClinVar variation 2655202 (VCV002655202.24), dbSNP rs36005630, ClinGen allele CA3146622.

ClinVar aggregate classification (germline): Likely benign (1 of 4 stars; one submission).

Allele frequency attached by ClinVar (database versions not stated): 1000 Genomes Project 0.00160; 1000 Genomes Project 30x 0.00203; gnomAD 0.00304; TOPMed 0.00321; ExAC 0.00346; ESP Exome Variant Server 0.00377.
gnomAD v4.1: 7,551 of 1,594,906 alleles (0.47%); highest among the groups gnomAD compares: Non-Finnish European, 0.59%; 25 homozygotes.

Submission:

CeGaT Center for Human Genetics Tuebingen
Classification: Likely benign. Last evaluated: 2023-09-01. Review status: criteria provided, single submitter. Criteria: CeGaT Center For Human Genetics Tuebingen Variant Classification Criteria Version 2. Collection method: clinical testing. Allele origin: germline. Affected: yes. Observed: 3 variant alleles.
Comment: NEIL3: BS2